The following is an entry in ClinVar:

NM_006579.3(EBP):c.470-3C>G

Gene: EBP (EBP cholestenol delta-isomerase; plus strand). Cytogenetic location: Xp11.23.
Variant type: single nucleotide variant.
Coding change: c.470-3C>G on transcript NM_006579.3 (MANE Select); 3 bases into the intron before coding-DNA position 470, C replaced by G.
Molecular consequence: intron variant.
Genome position (GRCh38, 1-based): chrX:48,528,231, C>G. VCF-style: chrX-48528231-C-G. GRCh37 (hg19) VCF-style: chrX-48386619-C-G.
Identifiers: ClinVar variation 2585070 (VCV002585070.1), dbSNP rs2519112442, ClinGen allele CA2582342905.

ClinVar aggregate classification (germline): Uncertain significance (1 of 4 stars; one submission).

Conditions:
Chondrodysplasia punctata 2 X-linked dominant (CDPX2). Also called: CONRADI-HUNERMANN-HAPPLE SYNDROME; HAPPLE SYNDROME; EBP-Related X-Linked Chondrodysplasia Punctata; Hunermann-Conradi Syndrome. Identifiers: Orphanet 35173, MedGen C0282102, MONDO:0020603, OMIM 302960.

Submission:

Neuberg Centre For Genomic Medicine, NCGM
Classification: Uncertain significance for Chondrodysplasia punctata 2 X-linked dominant. Review status: criteria provided, single submitter. Criteria: ACMG Guidelines, 2015. Collection method: clinical testing. Allele origin: germline. Inheritance: X-linked inheritance. Affected: yes.
Comment: The splice region variant c.470-3C>G in EBP (NM_006579.3) has not been reported previously as a pathogenic variant nor as a benign variant, to our knowledge. The c.470-3C>G variant is novel (not in any individuals) in gnomAD exomes and is novel (not in any individuals) in 1000 Genomes. For these reasons, this variant has been classified as Uncertain Significance (VUS).